The following is an entry in ClinVar:

ClinVar aggregate classification (germline): Uncertain significance. Review status: criteria provided, multiple submitters, no conflicts (2 of 4 stars). 2 submissions from 2 submitters: Uncertain significance (2). Last evaluated 2025-05-20.

Conditions:
Cardiomyopathy (CMYO). Also called: Cardiomyopathies. Identifiers: Orphanet 167848, MedGen C0878544, MONDO:0004994, HP:0001638. Inheritance: Various modes of inheritance.
Hypertrophic cardiomyopathy. Also called: HYPERTROPHIC MYOCARDIOPATHY. Identifiers: Orphanet 217569, MedGen C0007194, MeSH D002312, MONDO:0005045, HP:0001639.

gnomAD v4.1: 6 of 1,605,658 alleles (0.00037%); highest among the groups gnomAD compares: East Asian, 0.0022%; no homozygotes.

Submissions (2):

Color Diagnostics, LLC DBA Color Health
Classification: Uncertain significance for Cardiomyopathy. Last evaluated: 2025-05-20. Review status: criteria provided, single submitter. Criteria: ACMG Guidelines, 2015. Collection method: clinical testing. Allele origin: germline.
Comment: This missense variant replaces tyrosine with histidine at codon 1043 of the MYBPC3 protein. Computational prediction suggests that this variant may have a deleterious impact on protein structure and function. To our knowledge, functional studies have not been reported for this variant. This variant has not been reported in individuals affected with MYBPC3-related disorders in the literature. This variant has been identified in 1/243460 chromosomes in the general population by the Genome Aggregation Database (gnomAD). The available evidence is insufficient to determine the role of this variant in disease conclusively. Therefore, this variant is classified as a Variant of Uncertain Significance.

Labcorp Genetics (formerly Invitae), Labcorp
Classification: Uncertain significance for Hypertrophic cardiomyopathy. Last evaluated: 2025-01-19. Review status: criteria provided, single submitter. Criteria: Invitae Variant Classification Sherloc (09022015). Collection method: clinical testing. Allele origin: germline.
Comment: This sequence change replaces tyrosine, which is neutral and polar, with histidine, which is basic and polar, at codon 1043 of the MYBPC3 protein (p.Tyr1043His). This variant is present in population databases (rs762396429, gnomAD 0.006%). This variant has not been reported in the literature in individuals affected with MYBPC3-related conditions. An algorithm developed to predict the effect of missense changes on protein structure and function (PolyPhen-2) suggests that this variant is likely to be disruptive. In summary, the available evidence is currently insufficient to determine the role of this variant in disease. Therefore, it has been classified as a Variant of Uncertain Significance.

NM_000256.3(MYBPC3):c.3127T>C (p.Tyr1043His)

Gene: MYBPC3 (myosin binding protein C3; minus strand). Cytogenetic location: 11p11.2.
Variant type: single nucleotide variant.
Coding change: c.3127T>C on transcript NM_000256.3 (MANE Select); coding-DNA position 3127, T replaced by C.
Protein change: p.Tyr1043His; replaces tyrosine 1043 with histidine.
Molecular consequence: missense variant.
Genome position (GRCh38, 1-based): chr11:47,333,620, A>G on the plus strand (T>C on the coding strand, the complement: MYBPC3 is on the minus strand). VCF-style: chr11-47333620-A-G. GRCh37 (hg19) VCF-style: chr11-47355171-A-G.
Other names: short protein forms Y1043H.
Identifiers: ClinVar variation 3704294 (VCV003704294.3).